The following is an entry in ClinVar:

NM_024589.3(ROGDI):c.432+1dup

Gene: ROGDI (rogdi atypical leucine zipper; minus strand). Cytogenetic location: 16p13.3.
Variant type: Duplication.
Coding change: c.432+1dup on transcript NM_024589.3 (MANE Select); the canonical splice donor site of the intron after coding-DNA position 432, one base duplicated (G; older notation c.432+1dupG).
Molecular consequence: splice donor variant.
Genome position (GRCh38, 1-based): chr16:4,799,685, C duplicated on the plus strand (G on the coding strand, the reverse complement: ROGDI is on the minus strand); the first of 2 consecutive C bases (chr16:4,799,685-4,799,686); duplicating either gives the same sequence. VCF-style (leftmost placement, unchanged base first): chr16-4799684-A-AC. GRCh37 (hg19) VCF-style: chr16-4849685-A-AC.
Identifiers: ClinVar variation 930998 (VCV000930998.3), dbSNP rs2082694047, ClinGen allele CA1139664481.

ClinVar aggregate classification (germline): Likely pathogenic (1 of 4 stars; one submission).

Conditions:
Amelocerebrohypohidrotic syndrome (KTZS). Also called: Kohlschutter's syndrome; EPILEPSY AND YELLOW TEETH; EPILEPSY, DEMENTIA, AND AMELOGENESIS IMPERFECTA; KOHLSCHUTTER SYNDROME. Identifiers: Orphanet 1946, MedGen C0406740, MONDO:0009185, OMIM 226750.

Submission:

Centre for Mendelian Genomics, University Medical Centre Ljubljana
Classification: Likely pathogenic for Amelocerebrohypohidrotic syndrome. Last evaluated: 2019-01-16. Review status: criteria provided, single submitter. Criteria: ACMG Guidelines, 2015. Collection method: clinical testing. Allele origin: unknown. Affected: yes.
Comment: This variant was classified as: Likely pathogenic. The following ACMG criteria were applied in classifying this variant: PVS1,PM2.